The following is an entry in ClinVar:

ClinVar aggregate classification (germline): Likely benign. Review status: criteria provided, multiple submitters, no conflicts (2 of 4 stars). 2 submissions from 2 submitters: Likely benign (2). Last evaluated 2025-05-21.

Conditions:
PCLO-related disorder. Also called: PCLO-related condition.

Allele frequency attached by ClinVar (database versions not stated): gnomAD 0.00001; gnomAD exomes 0.00003; ExAC 0.00004.
gnomAD v4.1: 27 of 1,613,764 alleles (0.0017%); highest among the groups gnomAD compares: Admixed American, 0.01%; no homozygotes.

Submissions (2):

PreventionGenetics, part of Exact Sciences
Classification: Likely benign for PCLO-related condition. Last evaluated: 2025-05-21. Review status: criteria provided, single submitter. Criteria: ACMG Guidelines, 2015. Collection method: clinical testing. Allele origin: germline.
Comment: This variant is classified as likely benign based on ACMG/AMP sequence variant interpretation guidelines (Richards et al. 2015 PMID: 25741868, with internal and published modifications).

Labcorp Genetics (formerly Invitae), Labcorp
Classification: Likely benign. Last evaluated: 2024-12-17. Review status: criteria provided, single submitter. Criteria: Invitae Variant Classification Sherloc (09022015). Collection method: clinical testing. Allele origin: germline.

NM_033026.6(PCLO):c.6483G>A (p.Ser2161=)

Gene: PCLO (piccolo presynaptic cytomatrix protein; minus strand). Cytogenetic location: 7q21.11.
Variant type: single nucleotide variant.
Coding change: c.6483G>A on transcript NM_033026.6 (MANE Select); coding-DNA position 6483, G replaced by A.
Protein change: p.Ser2161=; no amino-acid change (serine 2161 retained).
Molecular consequence: synonymous variant.
Genome position (GRCh38, 1-based): chr7:82,954,470, C>T on the plus strand (G>A on the coding strand, the complement: PCLO is on the minus strand). VCF-style: chr7-82954470-C-T. GRCh37 (hg19) VCF-style: chr7-82583786-C-T.
Other names: c.6483G>A, p.Ser2161= (NM_014510.3); c.6483G>A (NM_033026.5).
Identifiers: ClinVar variation 1641546 (VCV001641546.9), dbSNP rs760428461, ClinGen allele CA4320462.
Genomic context (GRCh38, chr7:82,954,470, plus strand): 5'-TGTGTCAGAGGGTGGGACAGATGTAGCACTTTCTGAAGGCTCCGAGTAGGTCAAAATCAG[C>T]GATTCATGGGCAATTATCTCTTGAATTTCTCTTGTATAATCGGTTACATATTCATCCTCA-3'
Protein context (NP_149015.2, residues 2151-2171): REIQEIIAHE[Ser2161=]LILTYSEPSE